The following is an entry in ClinVar:

NM_021625.5(TRPV4):c.1107C>T (p.Asp369=)

Gene: TRPV4 (transient receptor potential cation channel subfamily V member 4; minus strand). Cytogenetic location: 12q24.11.
Variant type: single nucleotide variant.
Coding change: c.1107C>T on transcript NM_021625.5 (MANE Select); coding-DNA position 1107, C replaced by T.
Protein change: p.Asp369=; no amino-acid change (aspartic acid 369 retained).
Molecular consequence: synonymous variant.
Genome position (GRCh38, 1-based): chr12:109,798,659, G>A on the plus strand (C>T on the coding strand, the complement: TRPV4 is on the minus strand). VCF-style: chr12-109798659-G-A. GRCh37 (hg19) VCF-style: chr12-110236464-G-A.
Other names: c.966C>T, p.Asp322= (NM_001177428.2, NM_001177433.2); c.1005C>T, p.Asp335= (NM_001177431.2); c.1107C>T, p.Asp369= (NM_147204.3).
Identifiers: ClinVar variation 518210 (VCV000518210.15), dbSNP rs771626710, ClinGen allele CA6780349.
Genomic context (GRCh38, chr12:109,798,659, plus strand): 5'-CAGCCGCACACTCACCCCAATCTTGCCCGTCTTGGCAGCCATCATGAGGGGCGAGAGGCC[G>A]TCGTTGTTGAGCACGGCCTCCAGGTTGCTGTCGGGGAAGAGGCGGGCACACTTGAGCAGC-3'
Protein context (NP_067638.3, residues 359-379): DSNLEAVLNN[Asp369=]GLSPLMMAAK

ClinVar aggregate classification (germline): Likely benign. Review status: criteria provided, multiple submitters, no conflicts (2 of 4 stars). 4 submissions from 4 submitters: Likely benign (4). Last evaluated 2025-12-30.

Conditions:
TRPV4-related disorder. Also called: TRPV4-related disorders; TRPV4-related condition.
Inborn genetic diseases. Identifiers: MedGen C0950123, MeSH D030342.
Charcot-Marie-Tooth disease axonal type 2C (HMSN2C). Also called: Charcot-Marie-Tooth Disease Type 2, TRPV4-Related (CMT2C); CHARCOT-MARIE-TOOTH DISEASE, AXONAL, AUTOSOMAL DOMINANT, TYPE 2C; Charcot-Marie-Tooth Neuropathy Type 2C. Identifiers: Orphanet 99937, MedGen C1853710, MONDO:0011633, OMIM 606071.

Allele frequency attached by ClinVar (database versions not stated): ExAC 0.00003; gnomAD exomes 0.00004 and 0.00005; TOPMed 0.00004; gnomAD 0.00005 and 0.00006.
gnomAD v4.1: 66 of 1,613,100 alleles (0.0041%); highest among the groups gnomAD compares: African/African-American, 0.0067%; no homozygotes.

Submissions (4):

PreventionGenetics, part of Exact Sciences
Classification: Likely benign for TRPV4-related condition. Last evaluated: 2025-12-30. Review status: criteria provided, single submitter. Criteria: ACMG Guidelines, 2015. Collection method: clinical testing. Allele origin: germline.
Comment: This variant is classified as likely benign based on ACMG/AMP sequence variant interpretation guidelines (Richards et al. 2015 PMID: 25741868, with internal and published modifications).

Labcorp Genetics (formerly Invitae), Labcorp
Classification: Likely benign for Charcot-Marie-Tooth disease axonal type 2C. Last evaluated: 2025-02-20. Review status: criteria provided, single submitter. Criteria: Invitae Variant Classification Sherloc (09022015). Collection method: clinical testing. Allele origin: germline.

Ambry Genetics
Classification: Likely benign for Inborn genetic diseases. Last evaluated: 2019-07-11. Review status: criteria provided, single submitter. Criteria: Ambry Variant Classification Scheme 2023. Collection method: clinical testing. Allele origin: germline.

GeneDx
Classification: Likely benign. Last evaluated: 2019-03-20. Review status: criteria provided, single submitter. Criteria: GeneDx Variant Classification Process June 2021. Collection method: clinical testing. Allele origin: germline. Affected: yes.